The following is an entry in ClinVar:

NM_003835.4(RGS9):c.689T>C (p.Met230Thr)

Gene: RGS9 (regulator of G protein signaling 9; plus strand). Cytogenetic location: 17q24.1.
Variant type: single nucleotide variant.
Coding change: c.689T>C on transcript NM_003835.4 (MANE Select); coding-DNA position 689, T replaced by C.
Protein change: p.Met230Thr; replaces methionine 230 with threonine.
Molecular consequence: missense variant.
Genome position (GRCh38, 1-based): chr17:65,190,179, T>C. VCF-style: chr17-65190179-T-C. GRCh37 (hg19) VCF-style: chr17-63186297-T-C.
Other names: c.680T>C, p.Met227Thr (NM_001081955.3, NM_001165933.2); short protein forms M227T, M230T.
Identifiers: ClinVar variation 1357668 (VCV001357668.5), dbSNP rs767432096, ClinGen allele CA293053767.

ClinVar aggregate classification (germline): Uncertain significance (1 of 4 stars; one submission).

Allele frequency attached by ClinVar (database versions not stated): gnomAD exomes below 0.00001.
gnomAD v4.1: 5 of 1,612,958 alleles (0.00031%); highest among the groups gnomAD compares: Middle Eastern, 0.017%; no homozygotes.

Submission:

Labcorp Genetics (formerly Invitae), Labcorp
Classification: Uncertain significance. Last evaluated: 2023-04-24. Review status: criteria provided, single submitter. Criteria: Invitae Variant Classification Sherloc (09022015). Collection method: clinical testing. Allele origin: germline.
Comment: This sequence change replaces methionine, which is neutral and non-polar, with threonine, which is neutral and polar, at codon 230 of the RGS9 protein (p.Met230Thr). In summary, the available evidence is currently insufficient to determine the role of this variant in disease. Therefore, it has been classified as a Variant of Uncertain Significance. Advanced modeling of protein sequence and biophysical properties (such as structural, functional, and spatial information, amino acid conservation, physicochemical variation, residue mobility, and thermodynamic stability) performed at Invitae indicates that this missense variant is not expected to disrupt RGS9 protein function. ClinVar contains an entry for this variant (Variation ID: 1357668). This variant has not been reported in the literature in individuals affected with RGS9-related conditions. This variant is not present in population databases (gnomAD no frequency).